The following is an entry in ClinVar:

ClinVar aggregate classification (germline): Benign/Likely benign. Review status: criteria provided, multiple submitters, no conflicts (2 of 4 stars). 4 submissions from 4 submitters: Benign (1); Likely benign (3). Last evaluated 2024-07-10.

Conditions:
Hereditary cancer-predisposing syndrome. Also called: Hereditary neoplastic syndrome; Hereditary Cancer Syndrome; Neoplastic Syndromes, Hereditary; Tumor predisposition. Identifiers: Orphanet 140162, MedGen C0027672, MeSH D009386, MONDO:0015356.
Oligodontia-cancer predisposition syndrome. Also called: TOOTH AGENESIS-COLORECTAL CANCER SYNDROME. Identifiers: Orphanet 300576, MedGen C1837750, MONDO:0012075, OMIM 608615. Disease mechanism: loss of function.

Submissions (4):

Myriad Genetics, Inc.
Classification: Benign for Oligodontia-cancer predisposition syndrome. Last evaluated: 2024-07-10. Review status: criteria provided, single submitter. Criteria: Myriad Autosomal Dominant, Autosomal Recessive and X-Linked Classification Criteria (2023). Collection method: clinical testing. Allele origin: unknown.
Comment: This variant is considered benign. This variant is a silent/synonymous amino acid change and it is not expected to impact splicing.

Labcorp Genetics (formerly Invitae), Labcorp
Classification: Likely benign for Oligodontia-cancer predisposition syndrome. Last evaluated: 2024-06-03. Review status: criteria provided, single submitter. Criteria: Invitae Variant Classification Sherloc (09022015). Collection method: clinical testing. Allele origin: germline.

Ambry Genetics
Classification: Likely benign for Hereditary cancer-predisposing syndrome. Last evaluated: 2021-09-03. Review status: criteria provided, single submitter. Criteria: Ambry Variant Classification Scheme 2023. Collection method: clinical testing. Allele origin: germline.

GeneDx
Classification: Likely benign. Last evaluated: 2017-02-22. Review status: criteria provided, single submitter. Criteria: GeneDx Variant Classification (06012015). Collection method: clinical testing. Allele origin: germline. Affected: yes.
Comment: This variant is considered likely benign or benign based on one or more of the following criteria: it is a conservative change, it occurs at a poorly conserved position in the protein, it is predicted to be benign by multiple in silico algorithms, and/or has population frequency not consistent with disease.

NM_004655.4(AXIN2):c.2277C>G (p.Leu759=)

Gene: AXIN2 (axin 2; minus strand). Cytogenetic location: 17q24.1.
Variant type: single nucleotide variant.
Coding change: c.2277C>G on transcript NM_004655.4 (MANE Select); coding-DNA position 2277, C replaced by G.
Protein change: p.Leu759=; no amino-acid change (leucine 759 retained).
Molecular consequence: synonymous variant.
Genome position (GRCh38, 1-based): chr17:65,534,040, G>C on the plus strand (C>G on the coding strand, the complement: AXIN2 is on the minus strand). VCF-style: chr17-65534040-G-C. GRCh37 (hg19) VCF-style: chr17-63530158-G-C.
Other names: c.2277C>G (LRG_296t1); c.2082C>G, p.Leu694= (NM_001363813.1).
Identifiers: ClinVar variation 507601 (VCV000507601.15), dbSNP rs1555576405, ClinGen allele CA501475996.